The following is an entry in ClinVar:

ClinVar aggregate classification (germline): Conflicting classifications of pathogenicity. Review status: criteria provided, conflicting classifications (1 of 4 stars). 2 submissions from 2 submitters: Uncertain significance (1); Likely benign (1). Last evaluated 2026-04-09.

Conditions:
Hereditary cancer-predisposing syndrome. Also called: Hereditary neoplastic syndrome; Neoplastic Syndromes, Hereditary; Tumor predisposition; Hereditary Cancer Syndrome. Identifiers: Orphanet 140162, MedGen C0027672, MeSH D009386, MONDO:0015356.
Ataxia-telangiectasia syndrome (AT). Also called: Ataxia telangiectasia (A-T); LOUIS-BAR SYNDROME; AT, COMPLEMENTATION GROUP C; Ataxia-telangiectasia, complementation group E; Ataxia-telangiectasia, complementation group D; Ataxia-telangiectasia. Identifiers: Orphanet 100, MedGen C0004135, MONDO:0008840, OMIM 208900.

Allele frequency attached by ClinVar (database versions not stated): gnomAD exomes 0.00001.
gnomAD v4.1: 11 of 1,576,994 alleles (0.0007%); highest among the groups gnomAD compares: Non-Finnish European, 0.00096%; no homozygotes.

Submissions (2):

Ambry Genetics
Classification: Likely benign for Hereditary cancer-predisposing syndrome. Last evaluated: 2026-04-09. Review status: criteria provided, single submitter. Criteria: Ambry Variant Classification Scheme 2023. Collection method: clinical testing. Allele origin: germline.

Labcorp Genetics (formerly Invitae), Labcorp
Classification: Uncertain significance for Ataxia-telangiectasia syndrome. Last evaluated: 2024-04-15. Review status: criteria provided, single submitter. Criteria: Invitae Variant Classification Sherloc (09022015). Collection method: clinical testing. Allele origin: germline.
Comment: This sequence change replaces asparagine, which is neutral and polar, with serine, which is neutral and polar, at codon 1223 of the ATM protein (p.Asn1223Ser). This variant is not present in population databases (gnomAD no frequency). This missense change has been observed in individual(s) with gastric or esophageal cancer (PMID: 26506520). ClinVar contains an entry for this variant (Variation ID: 1042410). An algorithm developed to predict the effect of missense changes on protein structure and function (PolyPhen-2) suggests that this variant is likely to be tolerated. In summary, the available evidence is currently insufficient to determine the role of this variant in disease. Therefore, it has been classified as a Variant of Uncertain Significance.

Literature cited by the submitters: PubMed 26506520 (cited by Labcorp Genetics (formerly Invitae), Labcorp).

NM_000051.4(ATM):c.3668A>G (p.Asn1223Ser)

Gene: ATM (ATM serine/threonine kinase; plus strand). Cytogenetic location: 11q22.3.
Variant type: single nucleotide variant.
Coding change: c.3668A>G on transcript NM_000051.4 (MANE Select); coding-DNA position 3668, A replaced by G.
Protein change: p.Asn1223Ser; replaces asparagine 1223 with serine.
Molecular consequence: missense variant.
Genome position (GRCh38, 1-based): chr11:108,282,801, A>G. VCF-style: chr11-108282801-A-G. GRCh37 (hg19) VCF-style: chr11-108153528-A-G.
Other names: c.3668A>G (NM_000051.3); c.3668A>G, p.Asn1223Ser (NM_001351834.2); short protein forms N1223S.
Identifiers: ClinVar variation 1042410 (VCV001042410.9), dbSNP rs2082301149, ClinGen allele CA382523156.